The following is an entry in ClinVar:

NM_000103.4(CYP19A1):c.1126A>T (p.Lys376Ter)

Genes: MIR4713HG (MIR4713 host gene; plus strand), PIRC66 (piwi-interacting RNA cluster 66; plus strand), CYP19A1 (cytochrome P450 family 19 subfamily A member 1; minus strand). Cytogenetic location: 15q21.2.
Variant type: single nucleotide variant.
Coding change: c.1126A>T on transcript NM_000103.4 (MANE Select); coding-DNA position 1126, A replaced by T.
Protein change: p.Lys376Ter; replaces lysine 376 with a stop codon.
Molecular consequence: nonsense.
Genome position (GRCh38, 1-based): chr15:51,212,457, T>A on the plus strand (A>T on the coding strand, the complement: CYP19A1 is on the minus strand). VCF-style: chr15-51212457-T-A. GRCh37 (hg19) VCF-style: chr15-51504654-T-A.
Other names: c.1126A>T, p.Lys376Ter (NM_001347248.1, NM_001347249.2, NM_001347250.2 and 7 more transcripts); short protein forms K376*.
Identifiers: ClinVar variation 1383947 (VCV001383947.6), dbSNP rs2141034312, ClinGen allele CA392424825.

ClinVar aggregate classification (germline): Pathogenic (1 of 4 stars; one submission).

Submission:

Labcorp Genetics (formerly Invitae), Labcorp
Classification: Pathogenic. Last evaluated: 2021-08-27. Review status: criteria provided, single submitter. Criteria: Invitae Variant Classification Sherloc (09022015). Collection method: clinical testing. Allele origin: germline.
Comment: For these reasons, this variant has been classified as Pathogenic. This variant has not been reported in the literature in individuals affected with CYP19A1-related conditions. This variant is not present in population databases (ExAC no frequency). This sequence change creates a premature translational stop signal (p.Lys376*) in the CYP19A1 gene. It is expected to result in an absent or disrupted protein product. Loss-of-function variants in CYP19A1 are known to be pathogenic (PMID: 14602738, 27086564, 27256151).

Literature cited by the submitters: PubMed 14602738; PubMed 27086564; PubMed 27256151.